The following is an entry in ClinVar:

ClinVar aggregate classification (germline): Uncertain significance. Review status: criteria provided, single submitter (1 of 4 stars). 2 submissions from 2 submitters: Uncertain significance (1). 1 of the submissions does not count toward it.

Conditions:
DE SANCTIS-CACCHIONE SYNDROME. Identifiers: MedGen C0265201, MONDO:0010217, OMIM 278800.
Cerebrooculofacioskeletal syndrome 1 (COFS1). Also called: Cerebro-oculo-facio-skeletal syndrome 1. Identifiers: MedGen C0220722, MONDO:0008955, OMIM 214150.
Cockayne syndrome type 2 (CSB). Also called: Cockayne Syndrome, Type II; COCKAYNE SYNDROME B. Identifiers: Orphanet 191, Orphanet 90322, MedGen C0751038, MONDO:0019570, OMIM 133540.
Age related macular degeneration 5. Identifiers: MedGen C3151063, MONDO:0013409, OMIM 613761.
Premature ovarian failure 11 (POF11). Identifiers: MedGen C4310783, MONDO:0014843, OMIM 616946.
UV-sensitive syndrome 1 (UVSS1). Identifiers: Orphanet 178338, MedGen C3551173, MONDO:0010909, OMIM 600630.
Lung cancer. Also called: Malignant tumor of lung; Lung cancer, somatic. Identifiers: MedGen C0242379, MONDO:0008903, OMIM 211980.

Submissions (2):

Juno Genomics, Hangzhou Juno Genomics, Inc
Classification: Uncertain significance for DE SANCTIS-CACCHIONE SYNDROME; Lung cancer; Age related macular degeneration 5; Cerebrooculofacioskeletal syndrome 1; Cockayne syndrome type 2; Premature ovarian failure 11; UV-sensitive syndrome 1. Review status: criteria provided, single submitter. Criteria: ACMG Guidelines, 2015. Collection method: clinical testing. Allele origin: germline. Affected: yes.
Comment: Absent from controls (or at extremely low frequency if recessive) in Genome Aggregation Database, Exome Sequencing Project, 1000 Genomes Project, or Exome Aggregation Consortium.;Protein length changes due to in-frame deletions/insertions in a non-repeat region or stop-loss variants.

Counsyl
Classification: Uncertain significance for Cockayne syndrome type 2; Cerebrooculofacioskeletal syndrome 1; DE SANCTIS-CACCHIONE SYNDROME. Last evaluated: 2017-06-08. Review status: no assertion criteria provided. Collection method: clinical testing. Allele origin: unknown. Not counted in ClinVar's aggregate classification.

NM_000124.4(ERCC6):c.2481AGA[2] (p.Glu829del)

Gene: ERCC6 (ERCC excision repair 6, chromatin remodeling factor; minus strand). Cytogenetic location: 10q11.23.
Variant type: Microsatellite.
Coding change: c.2481AGA[2] on transcript NM_000124.4 (MANE Select); two copies in a row of the 3-base unit AGA starting at c.2481; the reference has three copies in a row; one copy, 3 bases deleted; also written c.2487_2489del.
Protein change: p.Glu829del; deletes glutamic acid 829.
Molecular consequence: inframe deletion.
Genome position (GRCh38, 1-based): chr10:49,474,136-49,474,138, TCT deleted on the plus strand (AGA on the coding strand, the reverse complement: ERCC6 is on the minus strand); deleting any 3 consecutive bases within chr10:49,474,136-49,474,144 gives the same sequence; the position shown is the placement nearest the transcript's 3' end. VCF-style (leftmost placement, unchanged base first): chr10-49474135-ATCT-A. GRCh37 (hg19) VCF-style: chr10-50682181-ATCT-A.
Other names: c.2487_2489del (NM_000124.4); c.2481AGA[2], p.Glu829del (NM_001346440.2); short protein forms E829del.
Identifiers: ClinVar variation 300064 (VCV000300064.8), dbSNP rs886047036, ClinGen allele CA10635867.